The following is an entry in ClinVar:

ClinVar aggregate classification (germline): Uncertain significance (1 of 4 stars; one submission).

Submission:

Labcorp Genetics (formerly Invitae), Labcorp
Classification: Uncertain significance. Last evaluated: 2022-07-06. Review status: criteria provided, single submitter. Criteria: Invitae Variant Classification Sherloc (09022015). Collection method: clinical testing. Allele origin: germline.
Comment: This variant is not present in population databases (gnomAD no frequency). This variant has not been reported in the literature in individuals affected with IFT43-related conditions. Variants that disrupt the consensus splice site are a relatively common cause of aberrant splicing (PMID: 17576681, 9536098). Algorithms developed to predict the effect of sequence changes on RNA splicing suggest that this variant is not likely to affect RNA splicing. In summary, the available evidence is currently insufficient to determine the role of this variant in disease. Therefore, it has been classified as a Variant of Uncertain Significance. This sequence change affects codon 153 of the IFT43 mRNA. It is a 'silent' change, meaning that it does not change the encoded amino acid sequence of the IFT43 protein. This variant also falls at the last nucleotide of exon 6, which is part of the consensus splice site for this exon.

Literature cited by the submitters: PubMed 17576681; PubMed 9536098.

NM_001102564.3(IFT43):c.444G>A (p.Leu148=)

Gene: IFT43 (intraflagellar transport 43; plus strand). Cytogenetic location: 14q24.3.
Variant type: single nucleotide variant.
Coding change: c.444G>A on transcript NM_001102564.3 (MANE Select); coding-DNA position 444, G replaced by A.
Protein change: p.Leu148=; no amino-acid change (leucine 148 retained).
Molecular consequence: synonymous variant. On other transcripts: non-coding transcript variant (2).
Genome position (GRCh38, 1-based): chr14:76,082,692, G>A. VCF-style: chr14-76082692-G-A. GRCh37 (hg19) VCF-style: chr14-76549035-G-A.
Other names: c.459G>A, p.Leu153= (NM_052873.3).
Identifiers: ClinVar variation 2081019 (VCV002081019.4), dbSNP rs2503038371, ClinGen allele CA487194366.